The following is an entry in ClinVar:

NM_000257.4(MYH7):c.4953+5T>C

Genes: MHRT (myosin heavy chain associated RNA transcript; plus strand), MYH7 (myosin heavy chain 7; minus strand), LOC126861897 (BRD4-independent group 4 enhancer GRCh37_chr14:23884455-23885654; plus strand). Cytogenetic location: 14q11.2.
Variant type: single nucleotide variant.
Coding change: c.4953+5T>C on transcript NM_000257.4 (MANE Select); 5 bases into the intron after coding-DNA position 4953, T replaced by C.
Molecular consequence: intron variant.
Genome position (GRCh38, 1-based): chr14:23,415,999, A>G on the plus strand (T>C on the coding strand, the complement: MYH7 is on the minus strand). VCF-style: chr14-23415999-A-G. GRCh37 (hg19) VCF-style: chr14-23885208-A-G.
Identifiers: ClinVar variation 922597 (VCV000922597.10), dbSNP rs1008225259, ClinGen allele CA257810362.

ClinVar aggregate classification (germline): Conflicting classifications of pathogenicity. Review status: criteria provided, conflicting classifications (1 of 4 stars). 4 submissions from 4 submitters: Uncertain significance (2); Likely benign (2). Last evaluated 2025-11-13.

Conditions:
Cardiomyopathy (CMYO). Also called: Cardiomyopathies. Identifiers: Orphanet 167848, MedGen C0878544, MONDO:0004994, HP:0001638. Inheritance: Various modes of inheritance.
Hypertrophic cardiomyopathy. Also called: HYPERTROPHIC MYOCARDIOPATHY. Identifiers: Orphanet 217569, MedGen C0007194, MeSH D002312, MONDO:0005045, HP:0001639.

Allele frequency attached by ClinVar (database versions not stated): gnomAD 0.00001; gnomAD exomes 0.00001; TOPMed 0.00001.
gnomAD v4.1: 20 of 1,613,982 alleles (0.0012%); highest among the groups gnomAD compares: Non-Finnish European, 0.0015%; no homozygotes.

Submissions (4):

Labcorp Genetics (formerly Invitae), Labcorp
Classification: Uncertain significance for Hypertrophic cardiomyopathy. Last evaluated: 2025-11-13. Review status: criteria provided, single submitter. Criteria: Invitae Variant Classification Sherloc (09022015). Collection method: clinical testing. Allele origin: germline.
Comment: This sequence change falls in intron 34 of the MYH7 gene. It does not directly change the encoded amino acid sequence of the MYH7 protein. It affects a nucleotide within the consensus splice site. This variant is present in population databases (no rsID available, gnomAD 0.002%). This variant has not been reported in the literature in individuals affected with MYH7-related conditions. ClinVar contains an entry for this variant (Variation ID: 922597). Variants that disrupt the consensus splice site are a relatively common cause of aberrant splicing (PMID: 17576681, 9536098). Algorithms developed to predict the effect of sequence changes on RNA splicing suggest that this variant is not likely to affect RNA splicing. In summary, the available evidence is currently insufficient to determine the role of this variant in disease. Therefore, it has been classified as a Variant of Uncertain Significance.

All of Us Research Program, National Institutes of Health
Classification: Likely benign for Cardiomyopathy. Last evaluated: 2024-05-14. Review status: criteria provided, single submitter. Criteria: ACMG Guidelines, 2015. Collection method: clinical testing. Allele origin: germline. Inheritance: Autosomal dominant inheritance. Observed: 6 variant alleles, 6 heterozygotes.
Comment: This study involves interpretation of variants in research participants for the purpose of population health screening. Participant phenotype was not available at the time of variant classification. Additional details can be found in publication PMID: 35346344, PMCID: PMC8962531

Color Diagnostics, LLC DBA Color Health
Classification: Likely benign for Cardiomyopathy. Last evaluated: 2018-11-08. Review status: criteria provided, single submitter. Criteria: ACMG Guidelines, 2015. Collection method: clinical testing. Allele origin: germline.

Blueprint Genetics
Classification: Uncertain significance. Last evaluated: 2018-09-11. Review status: criteria provided, single submitter. Criteria: ACMG Guidelines, 2015. Collection method: clinical testing. Allele origin: germline.

Literature cited by the submitters: PubMed 17576681 (cited by Labcorp Genetics (formerly Invitae), Labcorp); PubMed 9536098 (cited by Labcorp Genetics (formerly Invitae), Labcorp).